The following is an entry in ClinVar:

ClinVar aggregate classification (germline): Uncertain significance. Review status: criteria provided, multiple submitters, no conflicts (2 of 4 stars). 3 submissions from 3 submitters: Uncertain significance (3). Last evaluated 2026-09-17.

Conditions:
CEP164-related disorder. Also called: CEP164-related condition.
Nephronophthisis 15 (NPHP15). Identifiers: Orphanet 3156, MedGen C3541853, MONDO:0013917, OMIM 614845.

Allele frequency attached by ClinVar (database versions not stated): gnomAD exomes 0.00010 and 0.00017; gnomAD 0.00011 and 0.00016; ExAC 0.00012; TOPMed 0.00014; ESP Exome Variant Server 0.00023.
gnomAD v4.1: 298 of 1,613,844 alleles (0.018%); highest among the groups gnomAD compares: South Asian, 0.043%; 1 homozygote.

Submissions (3):

PreventionGenetics, part of Exact Sciences
Classification: Uncertain significance for CEP164-related condition. Last evaluated: 2026-09-17. Review status: criteria provided, single submitter. Criteria: ACMG Guidelines, 2015. Collection method: clinical testing. Allele origin: germline.
Comment: The CEP164 c.1313G>A variant is predicted to result in the amino acid substitution p.Arg438Gln. To our knowledge, this variant has not been reported in the literature. This variant is reported in 0.026% of alleles in individuals of South Asian descent in gnomAD. At this time, the clinical significance of this variant is uncertain due to the absence of conclusive functional and genetic evidence.

Labcorp Genetics (formerly Invitae), Labcorp
Classification: Uncertain significance for Nephronophthisis 15. Last evaluated: 2022-08-16. Review status: criteria provided, single submitter. Criteria: Invitae Variant Classification Sherloc (09022015). Collection method: clinical testing. Allele origin: germline.
Comment: This sequence change replaces arginine, which is basic and polar, with glutamine, which is neutral and polar, at codon 438 of the CEP164 protein (p.Arg438Gln). This variant is present in population databases (rs137987733, gnomAD 0.03%). This variant has not been reported in the literature in individuals affected with CEP164-related conditions. ClinVar contains an entry for this variant (Variation ID: 963253). Algorithms developed to predict the effect of missense changes on protein structure and function (SIFT, PolyPhen-2, Align-GVGD) all suggest that this variant is likely to be tolerated. In summary, the available evidence is currently insufficient to determine the role of this variant in disease. Therefore, it has been classified as a Variant of Uncertain Significance.

Fulgent Genetics
Classification: Uncertain significance for Nephronophthisis 15. Last evaluated: 2022-04-13. Review status: criteria provided, single submitter. Criteria: ACMG Guidelines, 2015. Collection method: clinical testing. Allele origin: unknown.

NM_014956.5(CEP164):c.1313G>A (p.Arg438Gln)

Gene: CEP164 (centrosomal protein 164; plus strand). Cytogenetic location: 11q23.3.
Variant type: single nucleotide variant.
Coding change: c.1313G>A on transcript NM_014956.5 (MANE Select); coding-DNA position 1313, G replaced by A.
Protein change: p.Arg438Gln; replaces arginine 438 with glutamine.
Molecular consequence: missense variant.
Genome position (GRCh38, 1-based): chr11:117,375,787, G>A. VCF-style: chr11-117375787-G-A. GRCh37 (hg19) VCF-style: chr11-117246503-G-A.
Other names: c.1313G>A, p.Arg438Gln (NM_001271933.2); short protein forms R438Q.
Identifiers: ClinVar variation 963253 (VCV000963253.9), dbSNP rs137987733, ClinGen allele CA6294708.